The following is an entry in ClinVar:

NC_000015.9:g.(?_34628591)_(34628881_?)del

Gene: SLC12A6 (solute carrier family 12 member 6; minus strand). Cytogenetic location: 15q14.
Variant type: Deletion.
Identifiers: ClinVar variation 2427223 (VCV002427223.4).

ClinVar aggregate classification (germline): Pathogenic (1 of 4 stars; one submission).

Submission:

Labcorp Genetics (formerly Invitae), Labcorp
Classification: Pathogenic. Last evaluated: 2023-11-19. Review status: criteria provided, single submitter. Criteria: Invitae Variant Classification Sherloc (09022015). Collection method: clinical testing. Allele origin: germline.
Comment: This variant is a gross deletion of the genomic region encompassing exon(s) 1 of the SLC12A6 gene, which includes the initiator codon. This deletion extends beyond the assayed region for this gene and therefore may encompass additional genes. It is expected to result in an absent or disrupted protein product. Loss-of-function variants in SLC12A6 are known to be pathogenic (PMID: 12368912, 16606917). This variant has not been reported in the literature in individuals affected with SLC12A6-related conditions. For these reasons, this variant has been classified as Pathogenic.

Literature cited by the submitters: PubMed 12368912; PubMed 16606917.